The following is an entry in ClinVar:

NM_001395656.1(ROBO2):c.1838T>C (p.Met613Thr)

Gene: ROBO2 (roundabout guidance receptor 2; plus strand). Cytogenetic location: 3p12.3.
Variant type: single nucleotide variant.
Coding change: c.1838T>C on transcript NM_001395656.1 (MANE Select); coding-DNA position 1838, T replaced by C.
Protein change: p.Met613Thr; replaces methionine 613 with threonine.
Molecular consequence: missense variant.
Genome position (GRCh38, 1-based): chr3:77,565,097, T>C. VCF-style: chr3-77565097-T-C. GRCh37 (hg19) VCF-style: chr3-77614248-T-C.
Other names: c.1874T>C, p.Met625Thr (NM_001128929.3); c.1838T>C, p.Met613Thr (NM_001290039.2, NM_001290040.2, NM_001378202.1); c.47T>C, p.Met16Thr (NM_001290065.2); c.1886T>C, p.Met629Thr (NM_001378190.1, NM_001378191.1, NM_001378195.1 and 4 more transcripts); c.1907T>C, p.Met636Thr (NM_001378192.1, NM_001378194.1, NM_001378198.1 and 2 more transcripts); c.1826T>C, p.Met609Thr (NM_001378193.1, NM_001378197.1, NM_002942.5); c.1895T>C, p.Met632Thr (NM_001394212.1, NM_001394214.1, NM_001395657.1); short protein forms M16T, M629T, M632T, M636T, M609T, M625T, M613T.
Identifiers: ClinVar variation 2112829 (VCV002112829.4), dbSNP rs764591005, ClinGen allele CA2497164.
Genomic context (GRCh38, chr3:77,565,097, plus strand): 5'-CAATCTACTTATTCATGGTCAGAGCGATCAACCCCCAAGGTCTCAGTGACCCAAGTCCCA[T>C]GTCAGATCCTGTGCGCACACAAGGTACTTTCAACAGCTGTCAACAAGACTGGTTCTAGGC-3'
Protein context (NP_001382585.1, residues 603-623): NPQGLSDPSP[Met613Thr]SDPVRTQDIS

ClinVar aggregate classification (germline): Uncertain significance (1 of 4 stars; one submission).

Allele frequency attached by ClinVar (database versions not stated): TOPMed below 0.00001; ExAC 0.00001; gnomAD 0.00001; gnomAD exomes 0.00001.
gnomAD v4.1: 17 of 1,613,516 alleles (0.0011%); highest among the groups gnomAD compares: Admixed American, 0.005%; no homozygotes.

Submission:

Labcorp Genetics (formerly Invitae), Labcorp
Classification: Uncertain significance. Last evaluated: 2022-08-20. Review status: criteria provided, single submitter. Criteria: Invitae Variant Classification Sherloc (09022015). Collection method: clinical testing. Allele origin: germline.
Comment: In summary, the available evidence is currently insufficient to determine the role of this variant in disease. Therefore, it has been classified as a Variant of Uncertain Significance. Advanced modeling of protein sequence and biophysical properties (such as structural, functional, and spatial information, amino acid conservation, physicochemical variation, residue mobility, and thermodynamic stability) performed at Invitae indicates that this missense variant is not expected to disrupt ROBO2 protein function. This variant has not been reported in the literature in individuals affected with ROBO2-related conditions. This variant is present in population databases (rs764591005, gnomAD 0.006%). This sequence change replaces methionine, which is neutral and non-polar, with threonine, which is neutral and polar, at codon 609 of the ROBO2 protein (p.Met609Thr).